The following is an entry in ClinVar:

NM_000407.5(GP1BB):c.422G>C (p.Cys141Ser)

Genes: GP1BB (glycoprotein Ib platelet subunit beta; plus strand), SEPT5-GP1BB (SEPT5-GP1BB readthrough; plus strand). Cytogenetic location: 22q11.21.
Variant type: single nucleotide variant.
Coding change: c.422G>C on transcript NM_000407.5 (MANE Select); coding-DNA position 422, G replaced by C.
Protein change: p.Cys141Ser; replaces cysteine 141 with serine.
Molecular consequence: missense variant. On other transcripts: non-coding transcript variant (2).
Genome position (GRCh38, 1-based): chr22:19,724,265, G>C. VCF-style: chr22-19724265-G-C. GRCh37 (hg19) VCF-style: chr22-19711788-G-C.
Other names: p.Cys141Ser; short protein forms C141S.
Identifiers: ClinVar variation 4542430 (VCV004542430.2).

ClinVar aggregate classification (germline): Uncertain significance. Review status: criteria provided, multiple submitters, no conflicts (2 of 4 stars). 2 submissions from 2 submitters: Uncertain significance (2). Last evaluated 2025-05-21.

gnomAD v4.1: 6 of 1,250,426 alleles (0.00048%); highest among the groups gnomAD compares: Non-Finnish European, 0.0006%; no homozygotes.

Submissions (2):

Mayo Clinic Laboratories, Mayo Clinic
Classification: Uncertain significance. Last evaluated: 2025-05-21. Review status: criteria provided, single submitter. Criteria: ACMG Guidelines, 2015. Collection method: clinical testing. Allele origin: germline. Observed: 1 variant allele.
Comment: PM1, PM2_supporting

Blueprint Genetics
Classification: Uncertain significance. Last evaluated: 2023-08-25. Review status: criteria provided, single submitter. Criteria: ACMG Guidelines, 2015. Collection method: clinical testing. Allele origin: germline.